The following is an entry in ClinVar:

ClinVar aggregate classification (germline): Uncertain significance (1 of 4 stars; one submission).

Conditions:
Combined immunodeficiency due to MALT1 deficiency. Also called: Immunodeficiency 12. Identifiers: Orphanet 397964, MedGen C3809583, MONDO:0014197, OMIM 615468.

Submission:

Baylor Genetics
Classification: Uncertain significance for Combined immunodeficiency due to MALT1 deficiency. Last evaluated: 2019-12-07. Review status: criteria provided, single submitter. Criteria: ACMG Guidelines, 2015. Collection method: clinical testing. Allele origin: unknown. Affected: yes.
Comment: This variant was determined to be of uncertain significance according to ACMG Guidelines, 2015 [PMID:25741868].

NM_006785.4(MALT1):c.2191C>G (p.Leu731Val)

Gene: MALT1 (MALT1 paracaspase; plus strand). Cytogenetic location: 18q21.32.
Variant type: single nucleotide variant.
Coding change: c.2191C>G on transcript NM_006785.4 (MANE Select); coding-DNA position 2191, C replaced by G.
Protein change: p.Leu731Val; replaces leucine 731 with valine.
Molecular consequence: missense variant.
Genome position (GRCh38, 1-based): chr18:58,747,558, C>G. VCF-style: chr18-58747558-C-G. GRCh37 (hg19) VCF-style: chr18-56414790-C-G.
Other names: c.2158C>G, p.Leu720Val (NM_173844.3); short protein forms L731V, L720V.
Identifiers: ClinVar variation 1030155 (VCV001030155.1), dbSNP rs2055386752, ClinGen allele CA402576727.